The following is an entry in ClinVar:

NM_001127392.3(MYRF):c.1072C>T (p.Gln358Ter)

Gene: MYRF (myelin regulatory factor; plus strand). Cytogenetic location: 11q12.2.
Variant type: single nucleotide variant.
Coding change: c.1072C>T on transcript NM_001127392.3 (MANE Select); coding-DNA position 1072, C replaced by T.
Protein change: p.Gln358Ter; replaces glutamine 358 with a stop codon.
Molecular consequence: nonsense.
Genome position (GRCh38, 1-based): chr11:61,771,909, C>T. VCF-style: chr11-61771909-C-T. GRCh37 (hg19) VCF-style: chr11-61539381-C-T.
Other names: c.1045C>T, p.Gln349Ter (NM_013279.4); short protein forms Q349*, Q358*.
Identifiers: ClinVar variation 1180013 (VCV001180013.2), dbSNP rs1421001042, ClinGen allele CA380850201.

ClinVar aggregate classification (germline): Pathogenic (1 of 4 stars; one submission).

Submission:

GeneDx
Classification: Pathogenic. Last evaluated: 2020-12-21. Review status: criteria provided, single submitter. Criteria: GeneDx Variant Classification Process June 2021. Collection method: clinical testing. Allele origin: germline. Affected: yes.
Comment: Nonsense variant predicted to result in protein truncation in a gene for which loss-of-function is a known mechanism of disease; Not observed in large population cohorts (Lek et al., 2016)